The following is an entry in ClinVar:

NM_017613.4(DONSON):c.1487dup (p.Ser497fs)

Gene: DONSON (DNA replication fork stabilization factor DONSON; minus strand). Cytogenetic location: 21q22.11.
Variant type: Duplication.
Coding change: c.1487dup on transcript NM_017613.4 (MANE Select); coding-DNA position 1487, one base duplicated (T; older notation c.1487dupT).
Protein change: p.Ser497fs; shifts the reading frame from serine 497.
Molecular consequence: frameshift variant.
Genome position (GRCh38, 1-based): chr21:33,579,426, A duplicated on the plus strand (T on the coding strand, the reverse complement: DONSON is on the minus strand); the first of 3 consecutive A bases (chr21:33,579,426-33,579,428); duplicating any one gives the same sequence. VCF-style (leftmost placement, unchanged base first): chr21-33579425-G-GA. GRCh37 (hg19) VCF-style: chr21-34951731-G-GA.
Other names: short protein forms S497fs.
Identifiers: ClinVar variation 2098376 (VCV002098376.4), dbSNP rs1450835871, ClinGen allele CA638053415.
Genomic context (GRCh38, chr21:33,579,425, plus strand): 5'-GTCCATTTGCAGGCAGATGTTAAATACAGCAGTTGGCTCGTGTGGATACAGTACTGCAGA[G>GA]AAAGATCCACTCTGTGAAGATTTGAGCAGCATGGTCAGTGAATGCAGAGAATGAGGCATG-3'

ClinVar aggregate classification (germline): Pathogenic (1 of 4 stars; one submission).

Submission:

Labcorp Genetics (formerly Invitae), Labcorp
Classification: Pathogenic. Last evaluated: 2022-09-07. Review status: criteria provided, single submitter. Criteria: Invitae Variant Classification Sherloc (09022015). Collection method: clinical testing. Allele origin: germline.
Comment: Algorithms developed to predict the effect of sequence changes on RNA splicing suggest that this variant may create or strengthen a splice site. For these reasons, this variant has been classified as Pathogenic. This variant disrupts a region of the DONSON protein in which other variant(s) (p.Glu522Argfs*36) have been determined to be pathogenic (Invitae). This suggests that this is a clinically significant region of the protein, and that variants that disrupt it are likely to be disease-causing. This variant has not been reported in the literature in individuals affected with DONSON-related conditions. This variant is present in population databases (no rsID available, gnomAD 0.003%). This sequence change creates a premature translational stop signal (p.Ser497Leufs*14) in the DONSON gene. While this is not anticipated to result in nonsense mediated decay, it is expected to disrupt the last 70 amino acid(s) of the DONSON protein.